The following is an entry in ClinVar:

ClinVar aggregate classification (germline): Pathogenic (1 of 4 stars; one submission).

Conditions:
Hereditary cancer-predisposing syndrome. Also called: Neoplastic Syndromes, Hereditary; Tumor predisposition; Hereditary Cancer Syndrome; Hereditary neoplastic syndrome. Identifiers: Orphanet 140162, MedGen C0027672, MeSH D009386, MONDO:0015356.

Submission:

Ambry Genetics
Classification: Pathogenic for Hereditary cancer-predisposing syndrome. Last evaluated: 2020-10-19. Review status: criteria provided, single submitter. Criteria: Ambry Variant Classification Scheme 2023. Collection method: clinical testing. Allele origin: germline.
Comment: The c.1257_1258delGA pathogenic mutation, located in coding exon 4 of the MSH6 gene, results from a deletion of two nucleotides at nucleotide positions 1257 to 1258, causing a translational frameshift with a predicted alternate stop codon (p.N420Lfs*2). This alteration is expected to result in loss of function by premature protein truncation or nonsense-mediated mRNA decay. As such, this alteration is interpreted as a disease-causing mutation.

NM_000179.3(MSH6):c.1257_1258del (p.Asn420fs)

Gene: MSH6 (mutS homolog 6; plus strand). Cytogenetic location: 2p16.3.
Variant type: Deletion.
Coding change: c.1257_1258del on transcript NM_000179.3 (MANE Select); coding-DNA positions 1257 to 1258, 2 bases deleted (GA; older notation c.1257_1258delGA).
Protein change: p.Asn420fs; shifts the reading frame from asparagine 420.
Molecular consequence: frameshift variant.
Genome position (GRCh38, 1-based): chr2:47,799,240-47,799,241, GA deleted; deleting any 2 consecutive bases within chr2:47,799,239-47,799,241 gives the same sequence; the c. name uses the placement nearest the transcript's 3' end. VCF-style (leftmost placement, unchanged base first): chr2-47799238-CAG-C. GRCh37 (hg19) VCF-style: chr2-48026377-CAG-C.
Other names: c.867_868del, p.Asn290fs (NM_001281492.2); c.351_352del, p.Asn118fs (NM_001281493.2, NM_001281494.2); c.1353_1354delGA, p.Asn452Leufs (NM_001406795.1, NM_001406802.1); c.1257_1258delGA, p.Asn420Leufs (NM_001406796.1, NM_001406798.1, NM_001406800.1 and 4 more transcripts); c.960_961delGA, p.Asn321Leufs (NM_001406797.1, NM_001406801.1, NM_001406805.1 and 10 more transcripts); c.732_733delGA, p.Asn245Leufs (NM_001406799.1, NM_001406806.1, NM_001406807.1); c.1179_1180delGA, p.Asn394Leufs (NM_001406804.1); c.351_352delGA, p.Asn118Leufs (NM_001406811.1, NM_001406812.1, NM_001406814.1 and 4 more transcripts); and 2 more; short protein forms N420fs, N118fs, N290fs.
Identifiers: ClinVar variation 1761981 (VCV001761981.2), dbSNP rs2530599558, ClinGen allele CA2580067536.
Genomic context (GRCh38, chr2:47,799,238, plus strand): 5'-CCTGAGGATTTCCTCAATTCTTGTACTCCTGGGATGAGGAAGTGGTGGCAGATTAAGTCT[CAG>C]AACTTTGATCTTGTCATCTGTTACAAGGTGGGGAAATTTTATGAGCTGTACCACATGGAT-3'